The following is an entry in ClinVar:

NM_014915.3(ANKRD26):c.1176T>C (p.Tyr392=)

Gene: ANKRD26 (ankyrin repeat domain 26; minus strand). Cytogenetic location: 10p12.1.
Variant type: single nucleotide variant.
Coding change: c.1176T>C on transcript NM_014915.3 (MANE Select); coding-DNA position 1176, T replaced by C.
Protein change: p.Tyr392=; no amino-acid change (tyrosine 392 retained).
Molecular consequence: synonymous variant.
Genome position (GRCh38, 1-based): chr10:27,067,188, A>G on the plus strand (T>C on the coding strand, the complement: ANKRD26 is on the minus strand). VCF-style: chr10-27067188-A-G. GRCh37 (hg19) VCF-style: chr10-27356117-A-G.
Other names: c.1176T>C, p.Tyr392= (NM_001256053.2).
Identifiers: ClinVar variation 299751 (VCV000299751.8), dbSNP rs368451975, ClinGen allele CA5448671.
Genomic context (GRCh38, chr10:27,067,188, plus strand): 5'-AAAATATTCAGAGATATCCACTAACTTACCACTTCTATTATTTTTGTGCACTTCATCAAC[A>G]TAAGTCAAATTGTCATTATTTGTTTGCTCTAGTGGAGCACTTTCAATAATATCAATACCA-3'
Protein context (NP_055730.2, residues 382-402): LEQTNNDNLT[Tyr392=]VDEVHKNNRS

ClinVar aggregate classification (germline): Conflicting classifications of pathogenicity. Review status: criteria provided, conflicting classifications (1 of 4 stars). 4 submissions from 4 submitters: Uncertain significance (1); Likely benign (3). Last evaluated 2026-09-24.

Conditions:
Inborn genetic diseases. Identifiers: MedGen C0950123, MeSH D030342.
Thrombocytopenia 2 (THC2). Also called: ANKRD26-Related Thrombocytopenia. Identifiers: Orphanet 268322, MedGen C1861185, MONDO:0008555, OMIM 188000.
ANKRD26-related disorder. Also called: ANKRD26-related condition.

Allele frequency attached by ClinVar (database versions not stated): gnomAD exomes below 0.00001; ExAC 0.00001; gnomAD 0.00001; TOPMed 0.00002; ESP Exome Variant Server 0.00008.
gnomAD v4.1: 17 of 1,613,682 alleles (0.0011%); highest among the groups gnomAD compares: Non-Finnish European, 0.001%; no homozygotes.

Submissions (4):

PreventionGenetics, part of Exact Sciences
Classification: Likely benign for ANKRD26-related condition. Last evaluated: 2026-09-24. Review status: criteria provided, single submitter. Criteria: ACMG Guidelines, 2015. Collection method: clinical testing. Allele origin: germline.
Comment: This variant is classified as likely benign based on ACMG/AMP sequence variant interpretation guidelines (Richards et al. 2015 PMID: 25741868, with internal and published modifications).

Labcorp Genetics (formerly Invitae), Labcorp
Classification: Likely benign. Last evaluated: 2026-01-25. Review status: criteria provided, single submitter. Criteria: Invitae Variant Classification Sherloc (09022015). Collection method: clinical testing. Allele origin: germline.

Ambry Genetics
Classification: Likely benign for Inborn genetic diseases. Last evaluated: 2024-12-01. Review status: criteria provided, single submitter. Criteria: Ambry Variant Classification Scheme 2023. Collection method: clinical testing. Allele origin: germline.

Illumina Laboratory Services, Illumina
Classification: Uncertain significance for Thrombocytopenia 2. Last evaluated: 2018-01-13. Review status: criteria provided, single submitter. Criteria: ICSL Variant Classification Criteria 13 December 2019. Collection method: clinical testing. Allele origin: germline.